The following is an entry in ClinVar:

ClinVar aggregate classification (germline): Uncertain significance (1 of 4 stars; one submission).

Allele frequency attached by ClinVar (database versions not stated): gnomAD exomes below 0.00001.
gnomAD v4.1: 3 of 1,293,334 alleles (0.00023%); highest among the groups gnomAD compares: Non-Finnish European, 0.00019%; no homozygotes.

Submission:

Labcorp Genetics (formerly Invitae), Labcorp
Classification: Uncertain significance. Last evaluated: 2022-04-23. Review status: criteria provided, single submitter. Criteria: Invitae Variant Classification Sherloc (09022015). Collection method: clinical testing. Allele origin: germline.
Comment: This sequence change replaces tryptophan, which is neutral and slightly polar, with serine, which is neutral and polar, at codon 14 of the PDSS1 protein (p.Trp14Ser). In summary, the available evidence is currently insufficient to determine the role of this variant in disease. Therefore, it has been classified as a Variant of Uncertain Significance. Algorithms developed to predict the effect of missense changes on protein structure and function are either unavailable or do not agree on the potential impact of this missense change (SIFT: "Not Available"; PolyPhen-2: "Possibly Damaging"; Align-GVGD: "Not Available"). This variant has not been reported in the literature in individuals affected with PDSS1-related conditions. This variant is not present in population databases (gnomAD no frequency).

NM_014317.5(PDSS1):c.41G>C (p.Trp14Ser)

Gene: PDSS1 (decaprenyl diphosphate synthase subunit 1; plus strand). Cytogenetic location: 10p12.1.
Variant type: single nucleotide variant.
Coding change: c.41G>C on transcript NM_014317.5 (MANE Select); coding-DNA position 41, G replaced by C.
Protein change: p.Trp14Ser; replaces tryptophan 14 with serine.
Molecular consequence: missense variant. On other transcripts: 5 prime UTR variant (1).
Genome position (GRCh38, 1-based): chr10:26,697,752, G>C. VCF-style: chr10-26697752-G-C. GRCh37 (hg19) VCF-style: chr10-26986681-G-C.
Other names: c.41G>C, p.Trp14Ser (NM_001321978.2); c.-553G>C (NM_001321979.2); short protein forms W14S.
Identifiers: ClinVar variation 1899554 (VCV001899554.4), dbSNP rs1337919886, ClinGen allele CA376488852.